The following is an entry in ClinVar:

ClinVar aggregate classification (germline): Conflicting classifications of pathogenicity. Review status: criteria provided, conflicting classifications (1 of 4 stars). 3 submissions from 3 submitters: Uncertain significance (2); Likely benign (1). Last evaluated 2025-11-26.

Conditions:
Autosomal dominant nonsyndromic hearing loss 68. Also called: Deafness, autosomal dominant 68. Identifiers: Orphanet 90635, MedGen C4225240, MONDO:0014740, OMIM 616707.
HOMER2-related disorder. Also called: HOMER2-related condition.

Allele frequency attached by ClinVar (database versions not stated): gnomAD exomes 0.00004; ExAC 0.00007; TOPMed 0.00010; gnomAD 0.00011; 1000 Genomes Project 0.00040; 1000 Genomes Project 30x 0.00047.
gnomAD v4.1: 83 of 1,605,234 alleles (0.0052%); highest among the groups gnomAD compares: Admixed American, 0.055%; no homozygotes.

Submissions (3):

Dasa
Classification: Uncertain significance for Autosomal dominant nonsyndromic hearing loss 68. Last evaluated: 2025-11-26. Review status: criteria provided, single submitter. Criteria: DASA Assertion Criteria. Collection method: clinical testing. Allele origin: germline.
Comment: NM_004839.4(HOMER2):c.100G>A (p.Val34Ile) is a missense variant that results in the substitution of valine with isoleucine. This variant is rare in population databases. Computational prediction algorithms are consistent with a deleterious effect. The currently available literature and clinical evidence are not sufficient to establish a definitive association between this variant and the reported condition. Therefore, this variant is classified as a variant of uncertain significance.

PreventionGenetics, part of Exact Sciences
Classification: Likely benign for HOMER2-related condition. Last evaluated: 2025-05-16. Review status: criteria provided, single submitter. Criteria: ACMG Guidelines, 2015. Collection method: clinical testing. Allele origin: germline.
Comment: This variant is classified as likely benign based on ACMG/AMP sequence variant interpretation guidelines (Richards et al. 2015 PMID: 25741868, with internal and published modifications).

Labcorp Genetics (formerly Invitae), Labcorp
Classification: Uncertain significance. Last evaluated: 2024-12-02. Review status: criteria provided, single submitter. Criteria: Invitae Variant Classification Sherloc (09022015). Collection method: clinical testing. Allele origin: germline.
Comment: This sequence change replaces valine, which is neutral and non-polar, with isoleucine, which is neutral and non-polar, at codon 34 of the HOMER2 protein (p.Val34Ile). This variant is present in population databases (rs544469522, gnomAD 0.06%), and has an allele count higher than expected for a pathogenic variant. This variant has not been reported in the literature in individuals affected with HOMER2-related conditions. ClinVar contains an entry for this variant (Variation ID: 2415535). An algorithm developed to predict the effect of missense changes on protein structure and function (PolyPhen-2) suggests that this variant is likely to be disruptive. In summary, the available evidence is currently insufficient to determine the role of this variant in disease. Therefore, it has been classified as a Variant of Uncertain Significance.

NM_004839.4(HOMER2):c.100G>A (p.Val34Ile)

Gene: HOMER2 (homer scaffold protein 2; minus strand). Cytogenetic location: 15q25.2.
Variant type: single nucleotide variant.
Coding change: c.100G>A on transcript NM_004839.4 (MANE Select); coding-DNA position 100, G replaced by A.
Protein change: p.Val34Ile; replaces valine 34 with isoleucine.
Molecular consequence: missense variant.
Genome position (GRCh38, 1-based): chr15:82,892,747, C>T on the plus strand (G>A on the coding strand, the complement: HOMER2 is on the minus strand). VCF-style: chr15-82892747-C-T. GRCh37 (hg19) VCF-style: chr15-83561499-C-T.
Other names: c.100G>A, p.Val34Ile (NM_199330.3); c.100G>A (NM_004839.3); short protein forms V34I.
Identifiers: ClinVar variation 2415535 (VCV002415535.9), dbSNP rs544469522, ClinGen allele CA7702274.